The following is an entry in ClinVar:

ClinVar aggregate classification (germline): Uncertain significance (1 of 4 stars; one submission).

Conditions:
Inborn genetic diseases. Identifiers: MedGen C0950123, MeSH D030342.

Submission:

Ambry Genetics
Classification: Uncertain significance for Inborn genetic diseases. Last evaluated: 2025-06-29. Review status: criteria provided, single submitter. Criteria: Ambry Variant Classification Scheme 2023. Collection method: clinical testing. Allele origin: germline.
Comment: The p.G381R variant (also known as c.1141G>C), located in coding exon 9 of the DNMT3A gene, results from a G to C substitution at nucleotide position 1141. The glycine at codon 381 is replaced by arginine, an amino acid with dissimilar properties. This amino acid position is conserved. In addition, the in silico prediction for this alteration is inconclusive. Based on the available evidence, the clinical significance of this variant remains unclear.

NM_022552.5(DNMT3A):c.1141G>C (p.Gly381Arg)

Gene: DNMT3A (DNA methyltransferase 3 alpha; minus strand). Cytogenetic location: 2p23.3.
Variant type: single nucleotide variant.
Coding change: c.1141G>C on transcript NM_022552.5 (MANE Select); coding-DNA position 1141, G replaced by C.
Protein change: p.Gly381Arg; replaces glycine 381 with arginine.
Molecular consequence: missense variant. On other transcripts: non-coding transcript variant (1).
Genome position (GRCh38, 1-based): chr2:25,246,758, C>G on the plus strand (G>C on the coding strand, the complement: DNMT3A is on the minus strand). VCF-style: chr2-25246758-C-G. GRCh37 (hg19) VCF-style: chr2-25469627-C-G.
Other names: c.685G>C, p.Gly229Arg (NM_001320893.1); c.472G>C, p.Gly158Arg (NM_001375819.1); c.574G>C, p.Gly192Arg (NM_153759.3); c.1141G>C, p.Gly381Arg (NM_175629.2); short protein forms G381R, G158R, G229R, G192R.
Identifiers: ClinVar variation 4243590 (VCV004243590.1).